The following is an entry in ClinVar:

NM_007294.4(BRCA1):c.2688_2689insA (p.Pro897fs)

Gene: BRCA1 (BRCA1 DNA repair associated; minus strand). Cytogenetic location: 17q21.31.
Variant type: Insertion.
Coding change: c.2688_2689insA on transcript NM_007294.4 (MANE Select); coding-DNA positions 2688 to 2689, A inserted.
Protein change: p.Pro897fs; shifts the reading frame from proline 897.
Molecular consequence: frameshift variant. On other transcripts: intron variant (137).
Genome position: GRCh38 VCF-style: chr17-43092842-G-GT. GRCh37 (hg19) VCF-style: chr17-41244859-G-GT.
Other names: c.665-1811_665-1810insA (NM_001408428.1, NM_001408441.1, NM_001408437.1 and 12 more transcripts); c.671-1811_671-1810insA (NM_001408418.1, NM_001408423.1, NM_001408420.1 and 2 more transcripts); c.788-1811_788-1810insA (NM_001407981.1, NM_007298.4, NM_001407978.1 and 17 more transcripts); c.644-1811_644-1810insA (NM_001408462.1, NM_001408470.1, NM_001408464.1 and 3 more transcripts); c.710-1811_710-1810insA (NM_001408414.1, NM_001408411.1, NM_001408415.1 and 2 more transcripts); c.578-1811_578-1810insA (NM_001408514.1, NM_001408485.1, NM_001408483.1 and 9 more transcripts); c.662-1811_662-1810insA (NM_001408447.1, NM_001408433.1, NM_001408446.1 and 6 more transcripts); c.785-1811_785-1810insA (NM_001408400.1, NM_001408392.1, NM_001407986.1 and 13 more transcripts); and 41 more; short protein forms P897fs, P850fs, P770fs, P808fs, P809fs, P827fs, P849fs, P870fs.
Identifiers: ClinVar variation 548253 (VCV000548253.2), dbSNP rs1555589140, ClinGen allele CA658823994.

ClinVar aggregate classification (germline): Pathogenic (3 of 4 stars; one submission).

Conditions:
Breast-ovarian cancer, familial, susceptibility to, 1 (BROVCA1). Also called: BRCA1 Hereditary Breast and Ovarian Cancer; OVARIAN CANCER, SUSCEPTIBILITY TO. Identifiers: Orphanet 145, MedGen C2676676, MONDO:0011450, OMIM 604370. Disease mechanism: loss of function.

Submission:

Evidence-based Network for the Interpretation of Germline Mutant Alleles (ENIGMA)
Classification: Pathogenic for Breast-ovarian cancer, familial, susceptibility to, 1. Last evaluated: 2017-12-15. Review status: reviewed by expert panel. Criteria: ENIGMA BRCA1/2 Classification Criteria (2017-06-29). Collection method: curation. Allele origin: germline. Study: ENIGMA.
Comment: Variant allele predicted to encode a truncated non-functional protein.